The following is an entry in ClinVar:

ClinVar aggregate classification (germline): Uncertain significance. Review status: criteria provided, multiple submitters, no conflicts (2 of 4 stars). 2 submissions from 2 submitters: Uncertain significance (2). Last evaluated 2024-06-28.

Conditions:
Hereditary cancer-predisposing syndrome. Also called: Hereditary Cancer Syndrome; Hereditary neoplastic syndrome; Neoplastic Syndromes, Hereditary; Tumor predisposition. Identifiers: Orphanet 140162, MedGen C0027672, MeSH D009386, MONDO:0015356.
Rhabdoid tumor predisposition syndrome 2 (RTPS2). Identifiers: Orphanet 231108, Orphanet 69077, MedGen C2750074, MONDO:0013224, OMIM 613325.

Allele frequency attached by ClinVar (database versions not stated): gnomAD exomes below 0.00001.

Submissions (2):

Ambry Genetics
Classification: Uncertain significance for Hereditary cancer-predisposing syndrome. Last evaluated: 2024-06-28. Review status: criteria provided, single submitter. Criteria: Ambry Variant Classification Scheme 2023. Collection method: clinical testing. Allele origin: germline.
Comment: The p.G15V variant (also known as c.44G>T), located in coding exon 1 of the SMARCA4 gene, results from a G to T substitution at nucleotide position 44. The glycine at codon 15 is replaced by valine, an amino acid with dissimilar properties. This amino acid position is conserved. In addition, the in silico prediction for this alteration is inconclusive. Based on the available evidence, the clinical significance of this variant remains unclear.

Labcorp Genetics (formerly Invitae), Labcorp
Classification: Uncertain significance for Rhabdoid tumor predisposition syndrome 2. Last evaluated: 2019-09-24. Review status: criteria provided, single submitter. Criteria: Invitae Variant Classification Sherloc (09022015). Collection method: clinical testing. Allele origin: germline.
Comment: In summary, this variant is a novel missense change that is not predicted to affect protein function. There is no indication that it causes disease, but the available evidence is currently insufficient to prove that conclusively. Therefore, it has been classified as a Variant of Uncertain Significance. This sequence change replaces glycine with valine at codon 15 of the SMARCA4 protein (p.Gly15Val). The glycine residue is highly conserved and there is a moderate physicochemical difference between glycine and valine. This variant is not present in population databases (ExAC no frequency) and has not been reported in the literature in individuals with a SMARCA4-related disease. Algorithms developed to predict the effect of missense changes on protein structure and function (SIFT, PolyPhen-2, Align-GVGD) all suggest that this variant is likely to be tolerated, but these predictions have not been confirmed by published functional studies.

NM_003072.5(SMARCA4):c.44G>T (p.Gly15Val)

Gene: SMARCA4 (SWI/SNF related BAF chromatin remodeling complex subunit ATPase 4; plus strand). Cytogenetic location: 19p13.2.
Variant type: single nucleotide variant.
Coding change: c.44G>T on transcript NM_003072.5 (MANE Select); coding-DNA position 44, G replaced by T.
Protein change: p.Gly15Val; replaces glycine 15 with valine.
Molecular consequence: missense variant. On other transcripts: non-coding transcript variant (1).
Genome position (GRCh38, 1-based): chr19:10,984,195, G>T. VCF-style: chr19-10984195-G-T. GRCh37 (hg19) VCF-style: chr19-11094871-G-T.
Other names: c.44G>T, p.Gly15Val (NM_001128844.3, NM_001128845.2, NM_001128846.2 and 5 more transcripts); short protein forms G15V.
Identifiers: ClinVar variation 408637 (VCV000408637.11), dbSNP rs1060502077, ClinGen allele CA16616097.